The following is an entry in ClinVar:

NM_004408.4(DNM1):c.1307T>G (p.Ile436Ser)

Gene: DNM1 (dynamin 1; plus strand). Cytogenetic location: 9q34.11.
Variant type: single nucleotide variant.
Coding change: c.1307T>G on transcript NM_004408.4 (MANE Select); coding-DNA position 1307, T replaced by G.
Protein change: p.Ile436Ser; replaces isoleucine 436 with serine.
Molecular consequence: missense variant. On other transcripts: intron variant (3).
Genome position (GRCh38, 1-based): chr9:128,224,361, T>G. VCF-style: chr9-128224361-T-G. GRCh37 (hg19) VCF-style: chr9-130986640-T-G.
Other names: c.1307T>G, p.Ile436Ser (NM_001005336.3, NM_001374269.1); c.1196+1501T>G (NM_001288738.2, NM_001288737.2, NM_001288739.2); short protein forms I436S.
Identifiers: ClinVar variation 3669768 (VCV003669768.2).

ClinVar aggregate classification (germline): Uncertain significance (1 of 4 stars; one submission).

Conditions:
Developmental and epileptic encephalopathy, 31A. Also called: Epileptic encephalopathy, early infantile, 31; Developmental and epileptic encephalopathy, 31. Identifiers: Orphanet 2382, MedGen C4225357, MONDO:0014598, OMIM 616346.

gnomAD v4.1: 21 of 1,613,946 alleles (0.0013%); highest among the groups gnomAD compares: Non-Finnish European, 0.0017%; no homozygotes.

Submission:

Labcorp Genetics (formerly Invitae), Labcorp
Classification: Uncertain significance for Developmental and epileptic encephalopathy, 31A. Last evaluated: 2025-01-30. Review status: criteria provided, single submitter. Criteria: Invitae Variant Classification Sherloc (09022015). Collection method: clinical testing. Allele origin: germline.
Comment: This sequence change replaces isoleucine, which is neutral and non-polar, with serine, which is neutral and polar, at codon 436 of the DNM1 protein (p.Ile436Ser). This variant is present in population databases (rs377595837, gnomAD 0.003%). This variant has not been reported in the literature in individuals affected with DNM1-related conditions. Invitae Evidence Modeling of protein sequence and biophysical properties (such as structural, functional, and spatial information, amino acid conservation, physicochemical variation, residue mobility, and thermodynamic stability) indicates that this missense variant is not expected to disrupt DNM1 protein function with a negative predictive value of 80%. In summary, the available evidence is currently insufficient to determine the role of this variant in disease. Therefore, it has been classified as a Variant of Uncertain Significance.